The following is an entry in ClinVar:

ClinVar aggregate classification (germline): Uncertain significance. Review status: criteria provided, single submitter (1 of 4 stars). 2 submissions from 2 submitters: Uncertain significance (1). 1 of the submissions does not count toward it. Last evaluated 2022-08-22.

Conditions:
Joubert syndrome. Also called: CEREBELLOPARENCHYMAL DISORDER IV; JOUBERT-BOLTSHAUSER SYNDROME; Familial aplasia of the vermis. Identifiers: Orphanet 475, MedGen C5979921, MONDO:0018772.
INPP5E-related disorder. Also called: INPP5E-related condition.

Allele frequency attached by ClinVar (database versions not stated): TOPMed below 0.00001; gnomAD 0.00001; 1000 Genomes Project 30x 0.00031.
gnomAD v4.1: 3 of 1,586,100 alleles (0.00019%); highest among the groups gnomAD compares: Admixed American, 0.0054%; no homozygotes.

Submissions (2):

Labcorp Genetics (formerly Invitae), Labcorp
Classification: Uncertain significance for Joubert syndrome. Last evaluated: 2022-08-22. Review status: criteria provided, single submitter. Criteria: Invitae Variant Classification Sherloc (09022015). Collection method: clinical testing. Allele origin: germline.
Comment: In summary, the available evidence is currently insufficient to determine the role of this variant in disease. Therefore, it has been classified as a Variant of Uncertain Significance. Advanced modeling of protein sequence and biophysical properties (such as structural, functional, and spatial information, amino acid conservation, physicochemical variation, residue mobility, and thermodynamic stability) performed at Invitae indicates that this missense variant is not expected to disrupt INPP5E protein function. This variant has not been reported in the literature in individuals affected with INPP5E-related conditions. The frequency data for this variant in the population databases is considered unreliable, as metrics indicate poor data quality at this position in the gnomAD database. This sequence change replaces alanine, which is neutral and non-polar, with valine, which is neutral and non-polar, at codon 177 of the INPP5E protein (p.Ala177Val).

PreventionGenetics, part of Exact Sciences
Classification: Uncertain significance for INPP5E-related condition. Last evaluated: 2024-09-23. Review status: no assertion criteria provided. Collection method: clinical testing. Allele origin: germline. Not counted in ClinVar's aggregate classification.
Comment: The INPP5E c.530C>T variant is predicted to result in the amino acid substitution p.Ala177Val. To our knowledge, this variant has not been reported in the literature. This variant is reported in 0.0070% of alleles in individuals of Latino descent in gnomAD. At this time, the clinical significance of this variant is uncertain due to the absence of conclusive functional and genetic evidence.

NM_019892.6(INPP5E):c.530C>T (p.Ala177Val)

Gene: INPP5E (inositol polyphosphate-5-phosphatase E; minus strand). Cytogenetic location: 9q34.3.
Variant type: single nucleotide variant.
Coding change: c.530C>T on transcript NM_019892.6 (MANE Select); coding-DNA position 530, C replaced by T.
Protein change: p.Ala177Val; replaces alanine 177 with valine.
Molecular consequence: missense variant.
Genome position (GRCh38, 1-based): chr9:136,438,890, G>A on the plus strand (C>T on the coding strand, the complement: INPP5E is on the minus strand). VCF-style: chr9-136438890-G-A. GRCh37 (hg19) VCF-style: chr9-139333342-G-A.
Other names: c.530C>T, p.Ala177Val (NM_001318502.2); c.530C>T (NM_019892.5); short protein forms A177V.
Identifiers: ClinVar variation 2420375 (VCV002420375.8), dbSNP rs1384336987, ClinGen allele CA375568477.